The following is an entry in ClinVar:

ClinVar aggregate classification (germline): Pathogenic. Review status: reviewed by expert panel (3 of 4 stars). 2 submissions from 2 submitters: Pathogenic (1). 1 of the submissions does not count toward it. Last evaluated 2026-09-26.

Conditions:
Juvenile retinoschisis (RS1). Also called: X-linked retinoschisis; X-Linked Juvenile Retinoschisis. Identifiers: Orphanet 792, MedGen C3714753, MONDO:0010725, OMIM 312700.

Submissions (2):

ClinGen X-linked Inherited Retinal Disease Variant Curation Expert Panel, ClinGen
Classification: Pathogenic for Juvenile retinoschisis. Last evaluated: 2026-09-26. Review status: reviewed by expert panel. Criteria: ClinGen X LinkedIRD ACMG Specifications RS1 V1.0.0. Collection method: curation. Allele origin: germline. Inheritance: X-linked inheritance.
Comment: The NM_000330.4(RS1):c.511G>A (p.Gly171Arg) variant is a missense variant encoding the substitution of Glycine with Arginine at amino acid number 171. This variant is absent from hemizygous individuals in gnomAD v4.1.0 (PM2_Supporting). The computational predictor REVEL gives a score of 0.839, which is within the ClinGen X-linked IRD VCEP range between 0.931 and 0.773 and predicts a damaging effect on RS1 function (PP3_moderate). The computational splicing predictor SpliceAI gives a delta score of 0.03 for acceptor loss, which is below the ClinGen X-linked IRD VCEP threshold of >0.2 and does not predict that the variant disrupts RS1 splicing. At least one proband harboring this variant exhibits a phenotype including early onset, reduced visual acuity, bullous retinoschisis and retinal detachment with macular pigmentary reactive bands, macular schisis, which together are highly specific for X-linked retinoschisis (PMID: 36284670, PP4_Moderate). The variant has been reported to segregate through >3 meioses in one family (PP1_strong; PMID: 36284670). This variant has been reported in at least 1 proband meeting one of the PS4 requirements of a male diagnosed with XLRS, as well as a second apparently unrelated proband previously used for the PP4 code (PMIDs: 32300273, 35456481, PS4_Supporting). In summary, this variant is classified as pathogenic for X-linked retinoschisis based on the ClinGen X-linked Inherited Retinal Disease Expert Panel Specifications to the ACMG/AMP Variant Interpretation Guidelines for RS1 Version 1.0.0: PM2_Supporting, PP3_Moderate, PP4_Moderate, PP1_Strong, and PS4_Supporting.

Labcorp Genetics (formerly Invitae), Labcorp
Classification: Pathogenic. Last evaluated: 2023-12-04. Review status: criteria provided, single submitter. Criteria: Invitae Variant Classification Sherloc (09022015). Collection method: clinical testing. Allele origin: germline. Not counted in ClinVar's aggregate classification.
Comment: This sequence change replaces glycine, which is neutral and non-polar, with arginine, which is basic and polar, at codon 171 of the RS1 protein (p.Gly171Arg). This variant is not present in population databases (gnomAD no frequency). This missense change has been observed in individual(s) with clinical features of retinoschisis (PMID: 32300273, 35456481; Invitae). ClinVar contains an entry for this variant (Variation ID: 1478552). Advanced modeling of protein sequence and biophysical properties (such as structural, functional, and spatial information, amino acid conservation, physicochemical variation, residue mobility, and thermodynamic stability) performed at Invitae indicates that this missense variant is expected to disrupt RS1 protein function with a positive predictive value of 95%. For these reasons, this variant has been classified as Pathogenic.

Literature cited by the submitters: PubMed 32300273 (cited by Labcorp Genetics (formerly Invitae), Labcorp); PubMed 35456481 (cited by Labcorp Genetics (formerly Invitae), Labcorp).

NM_000330.4(RS1):c.511G>A (p.Gly171Arg)

Genes: CDKL5 (cyclin dependent kinase like 5; plus strand), RS1 (retinoschisin 1; minus strand). Cytogenetic location: Xp22.13.
Variant type: single nucleotide variant.
Coding change: c.511G>A on transcript NM_000330.4 (MANE Select); coding-DNA position 511, G replaced by A.
Protein change: p.Gly171Arg; replaces glycine 171 with arginine.
Molecular consequence: missense variant. On other transcripts: intron variant (2).
Genome position (GRCh38, 1-based): chrX:18,644,441, C>T on the plus strand (G>A on the coding strand, the complement: RS1 is on the minus strand). VCF-style: chrX-18644441-C-T. GRCh37 (hg19) VCF-style: chrX-18662561-C-T.
Other names: NM_000330.4(RS1):c.511G>A; p.Gly171Arg; c.2714-1566C>T (NM_003159.3, NM_001037343.2); short protein forms G171R.
Identifiers: ClinVar variation 1478552 (VCV001478552.9), dbSNP rs2147191113, ClinGen allele CA412371243.